The following is an entry in ClinVar:

NM_004655.4(AXIN2):c.357G>C (p.Gln119His)

Gene: AXIN2 (axin 2; minus strand). Cytogenetic location: 17q24.1.
Variant type: single nucleotide variant.
Coding change: c.357G>C on transcript NM_004655.4 (MANE Select); coding-DNA position 357, G replaced by C.
Protein change: p.Gln119His; replaces glutamine 119 with histidine.
Molecular consequence: missense variant.
Genome position (GRCh38, 1-based): chr17:65,558,264, C>G on the plus strand (G>C on the coding strand, the complement: AXIN2 is on the minus strand). VCF-style: chr17-65558264-C-G. GRCh37 (hg19) VCF-style: chr17-63554382-C-G.
Other names: c.357G>C, p.Gln119His (NM_001363813.1); short protein forms Q119H.
Identifiers: ClinVar variation 2106533 (VCV002106533.5), dbSNP rs2144587270, ClinGen allele CA400681573.

ClinVar aggregate classification (germline): Uncertain significance. Review status: criteria provided, multiple submitters, no conflicts (2 of 4 stars). 2 submissions from 2 submitters: Uncertain significance (2). Last evaluated 2023-07-19.

Conditions:
Oligodontia-cancer predisposition syndrome. Also called: TOOTH AGENESIS-COLORECTAL CANCER SYNDROME. Identifiers: Orphanet 300576, MedGen C1837750, MONDO:0012075, OMIM 608615. Disease mechanism: loss of function.

Allele frequency attached by ClinVar (database versions not stated): gnomAD exomes below 0.00001.
gnomAD v4.1: 1 of 1,614,206 alleles (0.000062%); highest among the groups gnomAD compares: Non-Finnish European, 0.000085%; no homozygotes.

Submissions (2):

Labcorp Genetics (formerly Invitae), Labcorp
Classification: Uncertain significance for Oligodontia-cancer predisposition syndrome. Last evaluated: 2023-07-19. Review status: criteria provided, single submitter. Criteria: Invitae Variant Classification Sherloc (09022015). Collection method: clinical testing. Allele origin: germline.
Comment: This sequence change replaces glutamine, which is neutral and polar, with histidine, which is basic and polar, at codon 119 of the AXIN2 protein (p.Gln119His). This variant is not present in population databases (gnomAD no frequency). This variant has not been reported in the literature in individuals affected with AXIN2-related conditions. ClinVar contains an entry for this variant (Variation ID: 2106533). Advanced modeling of protein sequence and biophysical properties (such as structural, functional, and spatial information, amino acid conservation, physicochemical variation, residue mobility, and thermodynamic stability) performed at Invitae indicates that this missense variant is expected to disrupt AXIN2 protein function. In summary, the available evidence is currently insufficient to determine the role of this variant in disease. Therefore, it has been classified as a Variant of Uncertain Significance.

Quest Diagnostics Nichols Institute San Juan Capistrano
Classification: Uncertain significance. Last evaluated: 2023-06-29. Review status: criteria provided, single submitter. Criteria: Quest Diagnostics criteria. Collection method: clinical testing. Allele origin: unknown.
Comment: To the best of our knowledge, this variant has not been reported in the published literature. It also has not been reported in large, multi-ethnic general populations (Genome Aggregation Database). Analysis of this variant using bioinformatics tools for the prediction of the effect of amino acid changes on protein structure and function yielded predictions that this variant is benign. Based on the available information, we are unable to determine the clinical significance of this variant.